The following is an entry in ClinVar:

ClinVar aggregate classification (germline): Uncertain significance (1 of 4 stars; one submission).

Submission:

Labcorp Genetics (formerly Invitae), Labcorp
Classification: Uncertain significance. Last evaluated: 2022-06-13. Review status: criteria provided, single submitter. Criteria: Invitae Variant Classification Sherloc (09022015). Collection method: clinical testing. Allele origin: germline.
Comment: This variant has not been reported in the literature in individuals affected with FCHO1-related conditions. In summary, the available evidence is currently insufficient to determine the role of this variant in disease. Therefore, it has been classified as a Variant of Uncertain Significance. Algorithms developed to predict the effect of missense changes on protein structure and function are either unavailable or do not agree on the potential impact of this missense change (SIFT: "Not Available"; PolyPhen-2: "Probably Damaging"; Align-GVGD: "Not Available"). The frequency data for this variant in the population databases is considered unreliable, as metrics indicate poor data quality at this position in the gnomAD database. This sequence change replaces threonine, which is neutral and polar, with methionine, which is neutral and non-polar, at codon 633 of the FCHO1 protein (p.Thr633Met).

NM_015122.3(FCHO1):c.1898_1899inv (p.Thr633Met)

Gene: FCHO1 (FCH and mu domain containing endocytic adaptor 1; plus strand). Cytogenetic location: 19p13.11.
Variant type: Inversion.
Coding change: c.1898_1899inv on transcript NM_015122.3 (MANE Select).
Protein change: p.Thr633Met; replaces threonine 633 with methionine.
Molecular consequence: missense variant. On other transcripts: non-coding transcript variant (36).
Genome position: GRCh38 VCF-style: chr19-17781781-CA-TG. GRCh37 (hg19) VCF-style: chr19-17892590-CA-TG.
Other names: c.1898_1899inv, p.Thr633Met (NM_001161357.2, NM_001161358.2, NM_001384370.1 and 13 more transcripts); c.1748_1749inv, p.Thr583Met (NM_001161359.2, NM_001384384.1, NM_001384385.1 and 1 more transcripts); c.1859_1860inv, p.Thr620Met (NM_001384388.1, NM_001384389.1, NM_001384405.1); c.1823_1824inv, p.Thr608Met (NM_001384390.1); c.1781_1782inv, p.Thr594Met (NM_001384392.1, NM_001384393.1, NM_001384394.1 and 1 more transcripts); c.1622_1623inv, p.Thr541Met (NM_001384396.1, NM_001384397.1, NM_001384398.1 and 5 more transcripts); c.1577_1578inv, p.Thr526Met (NM_001384403.1); c.1472_1473inv, p.Thr491Met (NM_001384406.1); and 1 more; short protein forms T526M, T608M, T443M, T541M, T620M, T633M, T491M, T583M.
Identifiers: ClinVar variation 1939553 (VCV001939553.3), ClinGen allele CA2580096719.